The following is an entry in ClinVar:

NM_001360016.2(G6PD):c.1458-13C>G

Gene: G6PD (glucose-6-phosphate dehydrogenase; minus strand). Cytogenetic location: Xq28.
Variant type: single nucleotide variant.
Coding change: c.1458-13C>G on transcript NM_001360016.2 (MANE Select); 13 bases into the intron before coding-DNA position 1458, C replaced by G.
Molecular consequence: intron variant.
Genome position (GRCh38, 1-based): chrX:154,532,103, G>C on the plus strand (C>G on the coding strand, the complement: G6PD is on the minus strand). VCF-style: chrX-154532103-G-C. GRCh37 (hg19) VCF-style: chrX-153760318-G-C.
Other names: c.1548-13C>G (NM_000402.4); c.1458-13C>G (NM_001042351.3).
Identifiers: ClinVar variation 93498 (VCV000093498.51), dbSNP rs371772243, ClinGen allele CA221442.
Genomic context (GRCh38, chrX:154,532,103, plus strand): 5'-TGGAAACCCACTCTCTTCATCAGCTCGTCTGCCTCCGTGGGGCCTCGGCTGGAGAGTGAC[G>C]GGTGGAGGAGAGGCATGAGGTAGCTCCACCCTCACCCCGCCCCTGCCCGCTGGGCTCTGT-3'

ClinVar aggregate classification (germline): Conflicting classifications of pathogenicity. Review status: criteria provided, conflicting classifications (1 of 4 stars). 6 submissions from 6 submitters: Uncertain significance (1); Benign (2); Likely benign (3). Last evaluated 2026-01-23.

Conditions:
Anemia, nonspherocytic hemolytic, due to G6PD deficiency (CNSHA1). Also called: Class I glucose-6-phosphate dehydrogenase deficiency; Favism, susceptibility to; ANEMIA, CONGENITAL, NONSPHEROCYTIC HEMOLYTIC, 1; Hemolytic anemia due to G6PD deficiency. Identifiers: Orphanet 466026, MedGen C2720289, MONDO:0010480, OMIM 300908.

Allele frequency attached by ClinVar (database versions not stated): gnomAD 0.00093; 1000 Genomes Project 30x 0.00104; 1000 Genomes Project 0.00106; TOPMed 0.00109; ESP Exome Variant Server 0.00161.

Submissions (6):

Women's Health and Genetics/Laboratory Corporation of America, LabCorp
Classification: Likely benign. Last evaluated: 2026-01-23. Review status: criteria provided, single submitter. Criteria: LabCorp Variant Classification Summary - May 2015. Collection method: clinical testing. Allele origin: germline.

Labcorp Genetics (formerly Invitae), Labcorp
Classification: Benign for Anemia, nonspherocytic hemolytic, due to G6PD deficiency. Last evaluated: 2026-01-09. Review status: criteria provided, single submitter. Criteria: Invitae Variant Classification Sherloc (09022015). Collection method: clinical testing. Allele origin: germline.

ARUP Laboratories, Molecular Genetics and Genomics, ARUP Laboratories
Classification: Benign. Last evaluated: 2024-09-04. Review status: criteria provided, single submitter. Criteria: ARUP Molecular Germline Variant Investigation Process 2024. Collection method: clinical testing. Allele origin: germline.

Blueprint Genetics
Classification: Likely benign. Last evaluated: 2024-01-23. Review status: criteria provided, single submitter. Criteria: ACMG Guidelines, 2015. Collection method: clinical testing. Allele origin: germline.

CeGaT Center for Human Genetics Tuebingen
Classification: Likely benign. Last evaluated: 2022-12-01. Review status: criteria provided, single submitter. Criteria: CeGaT Center For Human Genetics Tuebingen Variant Classification Criteria Version 2. Collection method: clinical testing. Allele origin: germline. Affected: yes. Observed: 1 variant allele.
Comment: G6PD: BS2

Eurofins Ntd Llc (ga)
Classification: Uncertain significance. Last evaluated: 2015-08-05. Review status: criteria provided, single submitter. Criteria: EGL Classification Definitions 2015. Collection method: clinical testing. Allele origin: germline. Observed: 3 variant alleles, 3 heterozygotes.